The following is an entry in ClinVar:

NM_032043.3(BRIP1):c.1935+22del

Gene: BRIP1 (BRCA1 interacting DNA helicase 1; minus strand). Cytogenetic location: 17q23.2.
Variant type: Deletion.
Coding change: c.1935+22del on transcript NM_032043.3 (MANE Select); 22 bases into the intron after coding-DNA position 1935, one base deleted (T; older notation c.1935+22delT).
Molecular consequence: intron variant.
Genome position (GRCh38, 1-based): chr17:61,780,239, A deleted on the plus strand (T on the coding strand, the reverse complement: BRIP1 is on the minus strand); the first of 11 consecutive A bases (chr17:61,780,239-61,780,249); deleting any one gives the same sequence. VCF-style (leftmost placement, unchanged base first): chr17-61780238-CA-C. GRCh37 (hg19) VCF-style: chr17-59857599-CA-C.
Other names: c.1935+22delT (NM_032043.3, NM_032043.2).
Identifiers: ClinVar variation 2692016 (VCV002692016.4), dbSNP rs74268880, ClinGen allele CA8690624.

ClinVar aggregate classification (germline): Likely benign. Review status: criteria provided, single submitter (1 of 4 stars). 2 submissions from 2 submitters: Likely benign (1). 1 of the submissions does not count toward it. Last evaluated 2025-03-04.

Conditions:
BRIP1-related disorder. Also called: BRIP1-related condition; BRIP1-related disorders. Identifiers: MedGen CN239206.

Submissions (2):

Center for Genomic Medicine, Rigshospitalet, Copenhagen University Hospital
Classification: Likely benign. Last evaluated: 2025-03-04. Review status: criteria provided, single submitter. Criteria: ACMG Guidelines, 2015. Collection method: clinical testing. Allele origin: germline.

PreventionGenetics, part of Exact Sciences
Classification: Likely benign for BRIP1-related condition. Last evaluated: 2021-04-28. Review status: no assertion criteria provided. Collection method: clinical testing. Allele origin: germline. Not counted in ClinVar's aggregate classification.
Comment: This variant is classified as likely benign based on ACMG/AMP sequence variant interpretation guidelines (Richards et al. 2015 PMID: 25741868, with internal and published modifications).